The following is an entry in ClinVar:

NM_001364905.1(LRBA):c.737A>G (p.Asn246Ser)

Gene: LRBA (LPS responsive beige-like anchor protein; minus strand). Cytogenetic location: 4q31.3.
Variant type: single nucleotide variant.
Coding change: c.737A>G on transcript NM_001364905.1 (MANE Select); coding-DNA position 737, A replaced by G.
Protein change: p.Asn246Ser; replaces asparagine 246 with serine.
Molecular consequence: missense variant.
Genome position (GRCh38, 1-based): chr4:150,916,647, T>C on the plus strand (A>G on the coding strand, the complement: LRBA is on the minus strand). VCF-style: chr4-150916647-T-C. GRCh37 (hg19) VCF-style: chr4-151837799-T-C.
Other names: c.737A>G, p.Asn246Ser (NM_001199282.3, NM_001367550.1, NM_006726.5); short protein forms N246S.
Identifiers: ClinVar variation 576159 (VCV000576159.9), dbSNP rs753938783, ClinGen allele CA3103782.

ClinVar aggregate classification (germline): Uncertain significance. Review status: criteria provided, multiple submitters, no conflicts (2 of 4 stars). 2 submissions from 2 submitters: Uncertain significance (2). Last evaluated 2025-07-07.

Conditions:
Inborn genetic diseases. Identifiers: MedGen C0950123, MeSH D030342.
Combined immunodeficiency due to LRBA deficiency. Also called: Common variable immunodeficiency 8, with autoimmunity. Identifiers: Orphanet 445018, MedGen C3553512, MONDO:0013863, OMIM 614700.

Allele frequency attached by ClinVar (database versions not stated): gnomAD 0.00001; ExAC 0.00003; gnomAD exomes 0.00003; TOPMed 0.00004.
gnomAD v4.1: 47 of 1,599,272 alleles (0.0029%); highest among the groups gnomAD compares: Non-Finnish European, 0.0039%; no homozygotes.

Submissions (2):

Labcorp Genetics (formerly Invitae), Labcorp
Classification: Uncertain significance for Combined immunodeficiency due to LRBA deficiency. Last evaluated: 2025-07-07. Review status: criteria provided, single submitter. Criteria: Invitae Variant Classification Sherloc (09022015). Collection method: clinical testing. Allele origin: germline.
Comment: This sequence change replaces asparagine, which is neutral and polar, with serine, which is neutral and polar, at codon 246 of the LRBA protein (p.Asn246Ser). This variant is present in population databases (rs753938783, gnomAD 0.005%). This variant has not been reported in the literature in individuals affected with LRBA-related conditions. ClinVar contains an entry for this variant (Variation ID: 576159). Invitae Evidence Modeling of protein sequence and biophysical properties (such as structural, functional, and spatial information, amino acid conservation, physicochemical variation, residue mobility, and thermodynamic stability) has been performed for this missense variant. However, the output from this modeling did not meet the statistical confidence thresholds required to predict the impact of this variant on LRBA protein function. In summary, the available evidence is currently insufficient to determine the role of this variant in disease. Therefore, it has been classified as a Variant of Uncertain Significance.

Ambry Genetics
Classification: Uncertain significance for Inborn genetic diseases. Last evaluated: 2021-07-14. Review status: criteria provided, single submitter. Criteria: Ambry Variant Classification Scheme 2023. Collection method: clinical testing. Allele origin: germline.